The following is an entry in ClinVar:

ClinVar aggregate classification (germline): Conflicting classifications of pathogenicity. Review status: criteria provided, conflicting classifications (1 of 4 stars). 3 submissions from 3 submitters: Likely pathogenic (1); Uncertain significance (2). Last evaluated 2026-06-01.

Conditions:
Hereditary cancer-predisposing syndrome. Also called: Neoplastic Syndromes, Hereditary; Tumor predisposition; Hereditary neoplastic syndrome; Hereditary Cancer Syndrome. Identifiers: Orphanet 140162, MedGen C0027672, MeSH D009386, MONDO:0015356.
Familial cancer of breast. Also called: Hereditary breast cancer; hereditary breast carcinoma; BREAST CANCER, FAMILIAL. Identifiers: Orphanet 227535, MedGen C0346153, MONDO:0016419, OMIM 114480. Disease mechanism: loss of function.

Submissions (3):

Myriad Genetics, Inc.
Classification: Likely pathogenic for Familial cancer of breast. Last evaluated: 2026-06-01. Review status: criteria provided, single submitter. Criteria: Myriad Autosomal Dominant, Autosomal Recessive and X-Linked Classification Criteria (2023). Collection method: clinical testing. Allele origin: unknown.
Comment: This variant is considered likely pathogenic. mRNA analysis has demonstrated abnormal mRNA splicing occurs [Myriad internal data].

Ambry Genetics
Classification: Uncertain significance for Hereditary cancer-predisposing syndrome. Last evaluated: 2025-08-01. Review status: criteria provided, single submitter. Criteria: Ambry Variant Classification Scheme 2023. Collection method: clinical testing. Allele origin: germline.
Comment: The c.1314G>A variant (also known as p.K438K), located in coding exon 4 of the BARD1 gene, results from a G to A substitution at nucleotide position 1314. This nucleotide substitution does not change the lysine at codon 438. However, this change occurs in the last base pair of coding exon 4, which makes it likely to have some effect on normal mRNA splicing. This nucleotide position is highly conserved in available vertebrate species. In silico splice site analysis predicts that this alteration will weaken the native splice donor site. Based on the available evidence, the clinical significance of this variant remains unclear.

Neuberg Centre For Genomic Medicine, NCGM
Classification: Uncertain significance for Familial cancer of breast. Review status: criteria provided, single submitter. Criteria: ACMG Guidelines, 2015. Collection method: clinical testing. Allele origin: germline. Inheritance: Autosomal dominant inheritance. Affected: yes.
Comment: The c.1314G>A (p.Lys438) synonymous variant in BARD1 gene has not been reported previously as a pathogenic variant nor as a benign variant, to our knowledge. The p.Lys438 variant is novel (not in any individuals) in gnomAD Exomes and 1000 Genomes. This p.Lys438 type of mutation causes no change in the protein that is produced, which is why it's considered as synonymous mutation. The variant is present at the splice site. Synonymous variants at the splice site may cause aberrant splicing but functional studies are required for the same. Splice prediction tools do not predict a damaging effect and the splice site is weakly conserved. For these reasons, this variant has been classified as Variant of Uncertain Significance (VUS).

Literature cited by the submitters: PubMed 27978560 (cited by Ambry Genetics).

NM_000465.4(BARD1):c.1314G>A (p.Lys438=)

Gene: BARD1 (BRCA1 associated RING domain 1; minus strand). Cytogenetic location: 2q35.
Variant type: single nucleotide variant.
Coding change: c.1314G>A on transcript NM_000465.4 (MANE Select); coding-DNA position 1314, G replaced by A.
Protein change: p.Lys438=; no amino-acid change (lysine 438 retained).
Molecular consequence: synonymous variant. On other transcripts: non-coding transcript variant (2), intron variant (3).
Genome position (GRCh38, 1-based): chr2:214,780,560, C>T on the plus strand (G>A on the coding strand, the complement: BARD1 is on the minus strand). VCF-style: chr2-214780560-C-T. GRCh37 (hg19) VCF-style: chr2-215645284-C-T.
Other names: c.1257G>A, p.Lys419= (NM_001282543.2); c.159-28005G>A (NM_001282548.2); c.215+16501G>A (NM_001282545.2); c.364+11737G>A (NM_001282549.2).
Identifiers: ClinVar variation 1769750 (VCV001769750.4), dbSNP rs1559423185, ClinGen allele CA431390808.